The following is an entry in ClinVar:

NM_173630.4(RTTN):c.678G>A (p.Arg226=)

Gene: RTTN (rotatin; minus strand). Cytogenetic location: 18q22.2.
Variant type: single nucleotide variant.
Coding change: c.678G>A on transcript NM_173630.4 (MANE Select); coding-DNA position 678, G replaced by A.
Protein change: p.Arg226=; no amino-acid change (arginine 226 retained).
Molecular consequence: synonymous variant. On other transcripts: 5 prime UTR variant (1).
Genome position (GRCh38, 1-based): chr18:70,197,639, C>T on the plus strand (G>A on the coding strand, the complement: RTTN is on the minus strand). VCF-style: chr18-70197639-C-T. GRCh37 (hg19) VCF-style: chr18-67864875-C-T.
Other names: c.-1876G>A (NM_001318520.2).
Identifiers: ClinVar variation 3052546 (VCV003052546.2), dbSNP rs774209050, ClinGen allele CA504327163.
Genomic context (GRCh38, chr18:70,197,639, plus strand): 5'-AAGTTCTCTAGTTCAAAATCTAAAACAATTATAGAGGGCACTGACCTGAACAATTTTTGG[C>T]CTTTGAAGGAAAATCTCAGCAGGAAAATCTTGCATGATAACATCCTTCAATAGTTCACAG-3'
Protein context (NP_775901.3, residues 216-236): QDFPAEIFLQ[Arg226=]PKIVQSLLSL

ClinVar aggregate classification (germline): Likely benign (0 of 4 stars; one submission).

Conditions:
RTTN-related disorder. Also called: RTTN-related condition.

Allele frequency attached by ClinVar (database versions not stated): TOPMed below 0.00001.
gnomAD v4.1: 34 of 1,610,684 alleles (0.0021%); highest among the groups gnomAD compares: Non-Finnish European, 0.0028%; no homozygotes.

Submission:

PreventionGenetics, part of Exact Sciences
Classification: Likely benign for RTTN-related condition. Last evaluated: 2022-08-23. Review status: no assertion criteria provided. Collection method: clinical testing. Allele origin: germline.
Comment: This variant is classified as likely benign based on ACMG/AMP sequence variant interpretation guidelines (Richards et al. 2015 PMID: 25741868, with internal and published modifications).